The following is an entry in ClinVar:

ClinVar aggregate classification (germline): Likely benign. Review status: criteria provided, single submitter (1 of 4 stars). 2 submissions from 2 submitters: Likely benign (1). 1 of the submissions does not count toward it. Last evaluated 2024-01-29.

Conditions:
RAB23-related disorder. Also called: RAB23-related condition.
Carpenter syndrome. Identifiers: Orphanet 65759, MedGen C1275078, MONDO:0019012.

Allele frequency attached by ClinVar (database versions not stated): ExAC 0.00001; gnomAD 0.00001; TOPMed 0.00003; gnomAD exomes 0.00005 and 0.00007; ESP Exome Variant Server 0.00008.
gnomAD v4.1: 97 of 1,613,882 alleles (0.006%); highest among the groups gnomAD compares: Non-Finnish European, 0.0082%; no homozygotes.

Submissions (2):

Labcorp Genetics (formerly Invitae), Labcorp
Classification: Likely benign for Carpenter syndrome. Last evaluated: 2024-01-29. Review status: criteria provided, single submitter. Criteria: Invitae Variant Classification Sherloc (09022015). Collection method: clinical testing. Allele origin: germline.

PreventionGenetics, part of Exact Sciences
Classification: Likely benign for RAB23-related condition. Last evaluated: 2024-05-10. Review status: no assertion criteria provided. Collection method: clinical testing. Allele origin: germline. Not counted in ClinVar's aggregate classification.
Comment: This variant is classified as likely benign based on ACMG/AMP sequence variant interpretation guidelines (Richards et al. 2015 PMID: 25741868, with internal and published modifications).

NM_016277.5(RAB23):c.603C>T (p.His201=)

Gene: RAB23 (RAB23, member RAS oncogene family; minus strand). Cytogenetic location: 6p12.1.
Variant type: single nucleotide variant.
Coding change: c.603C>T on transcript NM_016277.5 (MANE Select); coding-DNA position 603, C replaced by T.
Protein change: p.His201=; no amino-acid change (histidine 201 retained).
Molecular consequence: synonymous variant. On other transcripts: non-coding transcript variant (1).
Genome position (GRCh38, 1-based): chr6:57,190,572, G>A on the plus strand (C>T on the coding strand, the complement: RAB23 is on the minus strand). VCF-style: chr6-57190572-G-A. GRCh37 (hg19) VCF-style: chr6-57055370-G-A.
Other names: c.603C>T (NM_183227.2); c.603C>T, p.His201= (NM_001278666.2, NM_001278667.2, NM_001278668.2 and 1 more transcripts).
Identifiers: ClinVar variation 1117408 (VCV001117408.10), dbSNP rs372315508, ClinGen allele CA3873748.